The following is an entry in ClinVar:

NM_000173.7(GP1BA):c.658G>A (p.Gly220Arg)

Gene: GP1BA (glycoprotein Ib platelet subunit alpha; plus strand). Cytogenetic location: 17p13.2.
Variant type: single nucleotide variant.
Coding change: c.658G>A on transcript NM_000173.7 (MANE Select); coding-DNA position 658, G replaced by A.
Protein change: p.Gly220Arg; replaces glycine 220 with arginine.
Molecular consequence: missense variant.
Genome position (GRCh38, 1-based): chr17:4,933,262, G>A. VCF-style: chr17-4933262-G-A. GRCh37 (hg19) VCF-style: chr17-4836557-G-A.
Other names: NM_000173.7(GP1BA):c.658G>A; p.Gly220Arg; c.658G>A (NM_000173.6); short protein forms G220R.
Identifiers: ClinVar variation 627355 (VCV000627355.8), dbSNP rs374928728, ClinGen allele CA287216396.

ClinVar aggregate classification (germline): Uncertain significance. Review status: reviewed by expert panel (3 of 4 stars). 5 submissions from 5 submitters: Uncertain significance (1). 4 of the submissions do not count toward it. Last evaluated 2026-01-20.

Conditions:
GP1BA-related disorder. Also called: GP1BA-related condition.
Macrothrombocytopenia. Identifiers: MedGen C2751260, HP:0040185.
Bernard Soulier syndrome (BSS). Also called: BLEEDING DISORDER, PLATELET-TYPE, 1; GLYCOPROTEIN Ib, PLATELET, DEFICIENCY OF; PLATELET GLYCOPROTEIN Ib DEFICIENCY; Platelet Glycoprotein 1b, Deficiency of; VON WILLEBRAND FACTOR RECEPTOR DEFICIENCY; Giant platelet syndrome. Identifiers: Orphanet 274, MedGen C0005129, MeSH D001606, MONDO:0009276, OMIM 231200.
Bernard-Soulier syndrome, type A2, autosomal dominant (BSSA2). Also called: Bernard-Soulier syndrome, type A2 (dominant). Identifiers: Orphanet 274, MedGen C3277076, MONDO:0007930, OMIM 153670.

Allele frequency attached by ClinVar (database versions not stated): gnomAD exomes below 0.00001; TOPMed 0.00001; gnomAD 0.00002.

Submissions (5):

ClinGen Platelet Disorders Variant Curation Expert Panel, ClinGen
Classification: Uncertain significance for Bernard Soulier syndrome. Last evaluated: 2026-01-20. Review status: reviewed by expert panel. Criteria: ClinGen Platelet ACMG Specifications GP1BA V1.0.0. Collection method: curation. Allele origin: germline. Inheritance: Autosomal recessive inheritance.
Comment: The variant NM_000173.7(GP1BA):c.658G>A (p.Gly220Arg) is a missense variant in GP1BA. The allele frequency in gnomAD v4.1 is 0.000004430 (based on 2/74874 alleles) in the African/African American population, which is lower than the ClinGen PD VCEP threshold (<0.0001114; PM2_Supporting). Protein-based in silico prediction yields a REVEL score of 0.202, below the ClinGen PD VCEP threshold of 0.290, whereas splicing prediction indicates a potential cryptic splice acceptor site with a SpliceAI score of 0.74 exceeding the ClinGen PD VCEP threshold of >0.5 (PP3). In summary, this variant meets the criteria to be classified as a variant of uncertain significance for autosomal recessive Bernard-Soulier syndrome. ACMG/AMP criteria applied, as specified by the ClinGen Platelet Disorders VCEP (specifications version 1.1): PP3, PM2_Supporting.

PreventionGenetics, part of Exact Sciences
Classification: Uncertain significance for GP1BA-related condition. Last evaluated: 2026-08-26. Review status: criteria provided, single submitter. Criteria: ACMG Guidelines, 2015. Collection method: clinical testing. Allele origin: germline. Not counted in ClinVar's aggregate classification.
Comment: The GP1BA c.658G>A variant is predicted to result in the amino acid substitution p.Gly220Arg. This variant, alternatively referred to as p.Gly204Arg using legacy nomenclature, has been reported as a variant of uncertain clinical significance in a large cohort of individuals with bleeding, thrombotic, and platelet disorders (Supplemental File 3, Downes K et al 2019. PubMed ID: 31064749). This variant is reported in 0.011% of alleles in individuals of African descent in gnomAD. At this time, the clinical significance of this variant is uncertain due to the absence of conclusive functional and genetic evidence.

Revvity Omics, Revvity
Classification: Uncertain significance. Last evaluated: 2024-07-23. Review status: criteria provided, single submitter. Criteria: ACMG Guidelines, 2015. Collection method: clinical testing. Allele origin: germline. Not counted in ClinVar's aggregate classification.

Victorian Clinical Genetics Services, Murdoch Childrens Research Institute
Classification: Uncertain significance for Bernard-Soulier syndrome, type A2, autosomal dominant. Last evaluated: 2021-05-06. Review status: criteria provided, single submitter. Criteria: ACMG Guidelines, 2015. Collection method: clinical testing. Allele origin: germline. Affected: yes. Not counted in ClinVar's aggregate classification.
Comment: Based on the classification scheme VCGS_Germline_v1.3.4, this variant is classified as VUS-3C. Following criteria are met: 0103 - Loss of function and gain of function are known mechanisms of disease in this gene and are associated with autosomal recessive Bernard-Soulier syndrome (MIM#231200) and autosomal dominant von Willebrand disease, platelet-type (MIM#177820), respectively. In addition, dominant-negative is the suggested mechanism for autosomal dominant Bernard-Soulier syndrome (MIM#153670) (PMID: 24934643). (I) 0108 - This gene is associated with both recessive and dominant disease. Monoallelic inheritance of Bernard-Soulier syndrome (MIM#153670) are rare and mild than biallelic Bernard-Soulier syndrome (MIM#231200). In addition, variants implicated in von Willebrand disease, platelet-type (MIM#177820) are located within the beta-hairpin loop (PMID: 24934643). (I) 0200 - Variant is predicted to result in a missense amino acid change from glycine to arginine. (I) 0251 - This variant is heterozygous. (I) 0304 - Variant is present in gnomAD <0.01 (v3: 3 heterozygotes, 0 homozygotes). (SP) 0503 - Missense variant consistently predicted to be tolerated by multiple in silico tools or not conserved in placental mammals with a minor amino acid change. (SB) 0600 - Variant is located in the annotated leucine-rich repeat C-terminal domain (NCBI, Uniprot). (I) 0705 - No comparable missense variants have previous evidence for pathogenicity. (I) 0809 - Previous evidence of pathogenicity for this variant is inconclusive. It has been identified in a patient described to have platelet count disorder however, it has been classified as a VUS (PMID: 31064749). (I) 0905 - No published segregation evidence has been identified for this variant. (I) 1007 - No published functional evidence has been identified for this variant. (I) 1208 - Inheritance information for this variant is not currently available in this individual. (I) Legend: (SP) - Supporting pathogenic, (I) - Information, (SB) - Supporting benign

NIHR Bioresource Rare Diseases, University of Cambridge
Classification: Uncertain significance for Macrothrombocytopenia. Last evaluated: 2019-02-01. Review status: criteria provided, single submitter. Criteria: ACMG Guidelines, 2015. Collection method: research. Allele origin: unknown. Affected: yes. Observed: 1 heterozygote. Study: ThromboGenomics. Not counted in ClinVar's aggregate classification.

Literature cited by the submitters: PubMed 24934643 (cited by Victorian Clinical Genetics Services, Murdoch Childrens Research Institute); PubMed 31064749 (cited by Victorian Clinical Genetics Services, Murdoch Childrens Research Institute and NIHR Bioresource Rare Diseases, University of Cambridge).